The following is an entry in ClinVar:

ClinVar aggregate classification (germline): Conflicting classifications of pathogenicity. Review status: criteria provided, conflicting classifications (1 of 4 stars). 4 submissions from 4 submitters: Uncertain significance (3); Likely benign (1). Last evaluated 2024-09-20.

Conditions:
Achondrogenesis, type IA (ACG1A). Identifiers: Orphanet 932, Orphanet 93299, MedGen C0265273, MONDO:0008701, OMIM 200600.
Odontochondrodysplasia 1. Identifiers: Orphanet 166272, MedGen C5542277, MONDO:0100325, OMIM 184260.

Allele frequency attached by ClinVar (database versions not stated): gnomAD 0.00001; TOPMed 0.00002; gnomAD exomes 0.00006 and 0.00016; ExAC 0.00007.

Submissions (4):

3billion
Classification: Likely benign for Achondrogenesis, type IA; Odontochondrodysplasia 1. Last evaluated: 2024-09-20. Review status: criteria provided, single submitter. Criteria: ACMG Guidelines, 2015. Collection method: clinical testing. Allele origin: germline. Affected: no.
Comment: The homozygous variant was found in patients diagnosed with another variant in a different gene, with no symptoms related to the gene containing the homozygous variant.

Labcorp Genetics (formerly Invitae), Labcorp
Classification: Uncertain significance for Achondrogenesis, type IA. Last evaluated: 2022-08-20. Review status: criteria provided, single submitter. Criteria: Invitae Variant Classification Sherloc (09022015). Collection method: clinical testing. Allele origin: germline.
Comment: ClinVar contains an entry for this variant (Variation ID: 885425). This variant has not been reported in the literature in individuals affected with TRIP11-related conditions. This variant is present in population databases (rs775138686, gnomAD 0.09%). This sequence change replaces lysine, which is basic and polar, with asparagine, which is neutral and polar, at codon 1354 of the TRIP11 protein (p.Lys1354Asn). Algorithms developed to predict the effect of missense changes on protein structure and function are either unavailable or do not agree on the potential impact of this missense change (SIFT: "Not Available"; PolyPhen-2: "Possibly Damaging"; Align-GVGD: "Not Available"). In summary, the available evidence is currently insufficient to determine the role of this variant in disease. Therefore, it has been classified as a Variant of Uncertain Significance.

Blueprint Genetics
Classification: Uncertain significance. Last evaluated: 2019-05-28. Review status: criteria provided, single submitter. Criteria: ACMG Guidelines, 2015. Collection method: clinical testing. Allele origin: germline.

Illumina Laboratory Services, Illumina
Classification: Uncertain significance for Achondrogenesis, type IA. Last evaluated: 2018-01-12. Review status: criteria provided, single submitter. Criteria: ICSL Variant Classification Criteria 13 December 2019. Collection method: clinical testing. Allele origin: germline.

NM_004239.4(TRIP11):c.4062A>C (p.Lys1354Asn)

Gene: TRIP11 (thyroid hormone receptor interactor 11; minus strand). Cytogenetic location: 14q32.12.
Variant type: single nucleotide variant.
Coding change: c.4062A>C on transcript NM_004239.4 (MANE Select); coding-DNA position 4062, A replaced by C.
Protein change: p.Lys1354Asn; replaces lysine 1354 with asparagine.
Molecular consequence: missense variant.
Genome position (GRCh38, 1-based): chr14:92,003,914, T>G on the plus strand (A>C on the coding strand, the complement: TRIP11 is on the minus strand). VCF-style: chr14-92003914-T-G. GRCh37 (hg19) VCF-style: chr14-92470258-T-G.
Other names: c.4059A>C, p.Lys1353Asn (NM_001321851.1); short protein forms K1353N, K1354N.
Identifiers: ClinVar variation 885425 (VCV000885425.10), dbSNP rs775138686, ClinGen allele CA7313530.
Genomic context (GRCh38, chr14:92,003,914, plus strand): 5'-AGACAATCTGTGGTTATTTTCCTGGAGAGTTCTAATTGTTGCATCTTTTTCCTGTAGTGA[T>G]TTTCTTAGCTCTTCTAACTCTTGCTGAAGCAATTCAGAAGATTCACTCAATACTTCAGAC-3'
Protein context (NP_004230.2, residues 1344-1364): LLQQELEELR[Lys1354Asn]SLQEKDATIR